The following is an entry in ClinVar:

ClinVar aggregate classification (germline): Likely benign. Review status: criteria provided, multiple submitters, no conflicts (2 of 4 stars). 2 submissions from 2 submitters: Likely benign (2). Last evaluated 2025-10-13.

Conditions:
Pheochromocytoma/paraganglioma syndrome 5. Also called: Paragangliomas 5; SDHA-Related Hereditary Paraganglioma-Pheochromocytoma Syndrome. Identifiers: Orphanet 29072, MedGen C3279992, MONDO:0013602, OMIM 614165.
Mitochondrial complex II deficiency, nuclear type 1. Also called: SUCCINATE CoQ REDUCTASE DEFICIENCY. Identifiers: Orphanet 3208, MedGen C5700310, MONDO:0100294, OMIM 252011.

Allele frequency attached by ClinVar (database versions not stated): TOPMed below 0.00001; gnomAD exomes 0.00001.
gnomAD v4.1: 4 of 1,612,284 alleles (0.00025%); highest among the groups gnomAD compares: Non-Finnish European, 0.00025%; no homozygotes.

Submissions (2):

Labcorp Genetics (formerly Invitae), Labcorp
Classification: Likely benign for Pheochromocytoma/paraganglioma syndrome 5; Mitochondrial complex II deficiency, nuclear type 1. Last evaluated: 2025-10-13. Review status: criteria provided, single submitter. Criteria: Invitae Variant Classification Sherloc (09022015). Collection method: clinical testing. Allele origin: germline.

Myriad Genetics, Inc.
Classification: Likely benign for Pheochromocytoma/paraganglioma syndrome 5. Last evaluated: 2025-02-28. Review status: criteria provided, single submitter. Criteria: Myriad Autosomal Dominant, Autosomal Recessive and X-Linked Classification Criteria (2023). Collection method: clinical testing. Allele origin: unknown.
Comment: This variant is considered likely benign. This variant is intronic and is not expected to impact mRNA splicing.

NM_004168.4(SDHA):c.313-10G>A

Gene: SDHA (succinate dehydrogenase complex flavoprotein subunit A; plus strand). Cytogenetic location: 5p15.33.
Variant type: single nucleotide variant.
Coding change: c.313-10G>A on transcript NM_004168.4 (MANE Select); 10 bases into the intron before coding-DNA position 313, G replaced by A.
Molecular consequence: intron variant.
Genome position (GRCh38, 1-based): chr5:225,409, G>A. VCF-style: chr5-225409-G-A. GRCh37 (hg19) VCF-style: chr5-225524-G-A.
Other names: c.313-10G>A (NM_001330758.2); c.313-474G>A (NM_001294332.2).
Identifiers: ClinVar variation 644786 (VCV000644786.12), dbSNP rs1579383848, ClinGen allele CA915943300.